The following is an entry in ClinVar:

ClinVar aggregate classification (germline): Uncertain significance (1 of 4 stars; one submission).

Allele frequency attached by ClinVar (database versions not stated): gnomAD exomes below 0.00001.
gnomAD v4.1: 3 of 1,613,148 alleles (0.00019%); highest among the groups gnomAD compares: Non-Finnish European, 0.00025%; no homozygotes.

Submission:

Labcorp Genetics (formerly Invitae), Labcorp
Classification: Uncertain significance. Last evaluated: 2023-08-20. Review status: criteria provided, single submitter. Criteria: Invitae Variant Classification Sherloc (09022015). Collection method: clinical testing. Allele origin: germline.
Comment: Advanced modeling of protein sequence and biophysical properties (such as structural, functional, and spatial information, amino acid conservation, physicochemical variation, residue mobility, and thermodynamic stability) performed at Invitae indicates that this missense variant is not expected to disrupt COL2A1 protein function. In summary, the available evidence is currently insufficient to determine the role of this variant in disease. Therefore, it has been classified as a Variant of Uncertain Significance. This variant has not been reported in the literature in individuals affected with COL2A1-related conditions. This variant is not present in population databases (gnomAD no frequency). This sequence change replaces threonine, which is neutral and polar, with isoleucine, which is neutral and non-polar, at codon 896 of the COL2A1 protein (p.Thr896Ile).

NM_001844.5(COL2A1):c.2687C>T (p.Thr896Ile)

Gene: COL2A1 (collagen type II alpha 1 chain; minus strand). Cytogenetic location: 12q13.11.
Variant type: single nucleotide variant.
Coding change: c.2687C>T on transcript NM_001844.5 (MANE Select); coding-DNA position 2687, C replaced by T.
Protein change: p.Thr896Ile; replaces threonine 896 with isoleucine.
Molecular consequence: missense variant.
Genome position (GRCh38, 1-based): chr12:47,979,557, G>A on the plus strand (C>T on the coding strand, the complement: COL2A1 is on the minus strand). VCF-style: chr12-47979557-G-A. GRCh37 (hg19) VCF-style: chr12-48373340-G-A.
Other names: c.2480C>T, p.Thr827Ile (NM_033150.3); short protein forms T896I, T827I.
Identifiers: ClinVar variation 2880944 (VCV002880944.3), dbSNP rs2540116946, ClinGen allele CA384543969.